The following is an entry in ClinVar:

ClinVar aggregate classification (germline): Uncertain significance. Review status: criteria provided, multiple submitters, no conflicts (2 of 4 stars). 6 submissions from 6 submitters: Uncertain significance (6). Last evaluated 2025-08-31.

Conditions:
Pheochromocytoma. Also called: MAX-Related Hereditary Paraganglioma-Pheochromocytoma Syndrome. Identifiers: Orphanet 29072, MedGen C0031511, MONDO:0008233, OMIM 171300, HP:0002666.
Familial medullary thyroid carcinoma (MTC). Also called: Thyroid cancer, familial medullary; MTC, familial; Familial Medullary Thyroid Carcinoma (FMTC). Identifiers: Orphanet 653, Orphanet 99361, MedGen C1833921, MONDO:0007958, OMIM 155240.
Multiple endocrine neoplasia type 2B. Also called: Multiple endocrine neoplasia, type 3; MULTIPLE ENDOCRINE NEOPLASIA, TYPE IIB; MUCOSAL NEUROMA SYNDROME; MEN 2B; Multiple Endocrine Neoplasia Type 2B (MEN2B); MEN IIB. Identifiers: Orphanet 247709, Orphanet 653, MedGen C0025269, MeSH D018814, MONDO:0008082, OMIM 162300.
Multiple endocrine neoplasia type 2A. Also called: MULTIPLE ENDOCRINE NEOPLASIA, TYPE IIA; PTC SYNDROME; SIPPLE SYNDROME; MEN 2A; MEN-2A syndrome; Pheochromocytoma and amyloid producing medullary thyroid carcinoma. Identifiers: Orphanet 247698, Orphanet 653, MedGen C0025268, MeSH D018813, MONDO:0008234, OMIM 171400.
Hirschsprung disease, susceptibility to, 1 (HSCR1). Also called: RET-Related Hirschsprung Disease. Identifiers: Orphanet 388, MedGen C3888239, MONDO:0007723, OMIM 142623.
Hereditary cancer-predisposing syndrome. Also called: Neoplastic Syndromes, Hereditary; Hereditary Cancer Syndrome; Tumor predisposition; Hereditary neoplastic syndrome. Identifiers: Orphanet 140162, MedGen C0027672, MeSH D009386, MONDO:0015356.
Multiple endocrine neoplasia, type 2 (MEN2). Identifiers: Orphanet 653, MedGen C4048306, MONDO:0019003. Disease mechanism: gain of function.

Allele frequency attached by ClinVar (database versions not stated): gnomAD exomes below 0.00001; gnomAD 0.00001.
gnomAD v4.1: 6 of 1,614,014 alleles (0.00037%); highest among the groups gnomAD compares: African/African-American, 0.0027%; no homozygotes.

Submissions (6):

Labcorp Genetics (formerly Invitae), Labcorp
Classification: Uncertain significance for Multiple endocrine neoplasia, type 2. Last evaluated: 2025-08-31. Review status: criteria provided, single submitter. Criteria: Invitae Variant Classification Sherloc (09022015). Collection method: clinical testing. Allele origin: germline.
Comment: This sequence change replaces arginine, which is basic and polar, with glutamine, which is neutral and polar, at codon 721 of the RET protein (p.Arg721Gln). This variant is present in population databases (no rsID available, gnomAD 0.004%). This variant has not been reported in the literature in individuals affected with RET-related conditions. ClinVar contains an entry for this variant (Variation ID: 584563). An algorithm developed to predict the effect of missense changes on protein structure and function (PolyPhen-2) suggests that this variant is likely to be disruptive. In summary, the available evidence is currently insufficient to determine the role of this variant in disease. Therefore, it has been classified as a Variant of Uncertain Significance.

Ambry Genetics
Classification: Uncertain significance for Hereditary cancer-predisposing syndrome. Last evaluated: 2025-04-01. Review status: criteria provided, single submitter. Criteria: Ambry Variant Classification Scheme 2023. Collection method: clinical testing. Allele origin: germline.
Comment: The p.R721Q variant (also known as c.2162G>A), located in coding exon 12 of the RET gene, results from a G to A substitution at nucleotide position 2162. The arginine at codon 721 is replaced by glutamine, an amino acid with highly similar properties. This amino acid position is highly conserved in available vertebrate species. In addition, this alteration is predicted to be deleterious by in silico analysis. Based on the available evidence, the clinical significance of this variant remains unclear.

Fulgent Genetics
Classification: Uncertain significance for Hirschsprung disease, susceptibility to, 1; Familial medullary thyroid carcinoma; Multiple endocrine neoplasia type 2B; Pheochromocytoma; Multiple endocrine neoplasia type 2A. Last evaluated: 2024-02-16. Review status: criteria provided, single submitter. Criteria: ACMG Guidelines, 2015. Collection method: clinical testing. Allele origin: germline.

Baylor Genetics
Classification: Uncertain significance for Hirschsprung disease, susceptibility to, 1. Last evaluated: 2023-10-25. Review status: criteria provided, single submitter. Criteria: ACMG Guidelines, 2015. Collection method: clinical testing. Allele origin: unknown.

GeneDx
Classification: Uncertain significance. Last evaluated: 2023-07-25. Review status: criteria provided, single submitter. Criteria: GeneDx Variant Classification Process June 2021. Collection method: clinical testing. Allele origin: germline. Affected: yes.
Comment: Not observed at significant frequency in large population cohorts (gnomAD); In silico analysis supports that this missense variant has a deleterious effect on protein structure/function; Observed in individuals with personal or family history of breast/ovarian or other cancers (Tsaousis et al., 2019); This variant is associated with the following publications: (PMID: 31159747, 14633923)

GeneKor MSA
Classification: Uncertain significance for Hereditary cancer-predisposing syndrome. Last evaluated: 2018-08-01. Review status: criteria provided, single submitter. Criteria: ACMG Guidelines, 2015. Collection method: clinical testing. Allele origin: germline. Affected: yes.

NM_020975.6(RET):c.2162G>A (p.Arg721Gln)

Gene: RET (ret proto-oncogene; plus strand). Cytogenetic location: 10q11.21.
Variant type: single nucleotide variant.
Coding change: c.2162G>A on transcript NM_020975.6 (MANE Select); coding-DNA position 2162, G replaced by A.
Protein change: p.Arg721Gln; replaces arginine 721 with glutamine.
Molecular consequence: missense variant.
Genome position (GRCh38, 1-based): chr10:43,116,609, G>A. VCF-style: chr10-43116609-G-A. GRCh37 (hg19) VCF-style: chr10-43612057-G-A.
Other names: c.2162G>A, p.Arg721Gln (NM_000323.2, NM_001406743.1, NM_001406744.1 and 4 more transcripts); c.1400G>A, p.Arg467Gln (NM_001355216.2); c.2033G>A, p.Arg678Gln (NM_001406761.1, NM_001406762.1, NM_001406764.1); c.2027G>A, p.Arg676Gln (NM_001406763.1, NM_001406765.1); c.1874G>A, p.Arg625Gln (NM_001406766.1, NM_001406767.1, NM_001406770.1); c.1898G>A, p.Arg633Gln (NM_001406768.1); c.1766G>A, p.Arg589Gln (NM_001406769.1, NM_001406772.1); c.1724G>A, p.Arg575Gln (NM_001406771.1, NM_001406773.1); and 10 more; short protein forms R721Q, R467Q, R286Q, R377Q, R479Q, R625Q, R379Q, R391Q.
Identifiers: ClinVar variation 584563 (VCV000584563.20), dbSNP rs1356141763, ClinGen allele CA376554252.